The following is an entry in ClinVar:

ClinVar aggregate classification (germline): Likely benign. Review status: criteria provided, multiple submitters, no conflicts (2 of 4 stars). 3 submissions from 3 submitters: Likely benign (3). Last evaluated 2025-05-01.

Allele frequency attached by ClinVar (database versions not stated): 1000 Genomes Project 0.00240; 1000 Genomes Project 30x 0.00281; gnomAD 0.00296 and 0.00301; TOPMed 0.00306; ESP Exome Variant Server 0.00338; gnomAD exomes 0.00340 and 0.00464; ExAC 0.00363.
gnomAD v4.1: 7,186 of 1,614,240 alleles (0.45%); highest among the groups gnomAD compares: South Asian, 0.56%; 30 homozygotes.

Submissions (3):

CeGaT Center for Human Genetics Tuebingen
Classification: Likely benign. Last evaluated: 2025-05-01. Review status: criteria provided, single submitter. Criteria: CeGaT Center For Human Genetics Tuebingen Variant Classification Criteria Version 2. Collection method: clinical testing. Allele origin: germline. Affected: yes. Observed: 3 variant alleles.
Comment: PCDHGA10: BS2

Labcorp Genetics (formerly Invitae), Labcorp
Classification: Likely benign. Last evaluated: 2019-12-31. Review status: criteria provided, single submitter. Criteria: Invitae Variant Classification Sherloc (09022015). Collection method: clinical testing. Allele origin: germline.

Breakthrough Genomics
Classification: Likely benign. Review status: criteria provided, single submitter. Criteria: ACMG Guidelines, 2015. Collection method: not provided. Allele origin: germline. Inheritance: Unknown mechanism. Affected: yes.

NM_018913.3(PCDHGA10):c.2188C>T (p.Gln730Ter)

Genes: PCDHGB6 (protocadherin gamma subfamily B, 6; plus strand), PCDHGA6 (protocadherin gamma subfamily A, 6; plus strand), PCDHGA7 (protocadherin gamma subfamily A, 7; plus strand), PCDHGA2 (protocadherin gamma subfamily A, 2; plus strand), PCDHGA3 (protocadherin gamma subfamily A, 3; plus strand) and 12 more. Cytogenetic location: 5q31.3.
Variant type: single nucleotide variant.
Coding change: c.2188C>T on transcript NM_018913.3 (MANE Select); coding-DNA position 2188, C replaced by T.
Protein change: p.Gln730Ter; replaces glutamine 730 with a stop codon.
Molecular consequence: nonsense. On other transcripts: intron variant (15).
Genome position (GRCh38, 1-based): chr5:141,415,363, C>T. VCF-style: chr5-141415363-C-T. GRCh37 (hg19) VCF-style: chr5-140794930-C-T.
Other names: c.2188C>T, p.Gln730Ter (NM_032090.2); c.2422-79444C>T (NM_018912.3); c.2424+73968C>T (NM_018915.4); c.2424+68906C>T (NM_018916.4); c.2409+62694C>T (NM_018922.3); c.2514+57742C>T (NM_018917.4); c.2421+52807C>T (NM_018923.3); c.2421+48612C>T (NM_018918.3); and 8 more; short protein forms Q730*.
Identifiers: ClinVar variation 782455 (VCV000782455.27), dbSNP rs62378454, ClinGen allele CA3475272.
Genomic context (GRCh38, chr5:141,415,363, plus strand): 5'-GCCTTCGTCATCGTGCTGCTGGCGCACAGGCTGCGGCGCTGGCACAAGTCACGCCTGCTG[C>T]AGGCTTCAGGAGGCGGCTTGACAGGTGTGTCCGGCTCGCACTTTGTGGGCGTGGACGGGG-3'